The following is an entry in ClinVar:

ClinVar aggregate classification (germline): Uncertain significance. Review status: reviewed by expert panel (3 of 4 stars). 5 submissions from 5 submitters: Uncertain significance (1). 4 of the submissions do not count toward it. Last evaluated 2024-07-09.

Conditions:
Abnormal bleeding. Also called: Bleeding diathesis. Identifiers: MedGen C1458140, HP:0001892.
von Willebrand disease type 2N (VWD2N). Identifiers: Orphanet 166093, MedGen C1282975, MONDO:0015631.

Allele frequency attached by ClinVar (database versions not stated): gnomAD 0.00003 and 0.00006; TOPMed 0.00005; gnomAD exomes 0.00010; ExAC 0.00013; 1000 Genomes Project 30x 0.00031; 1000 Genomes Project 0.00040.
gnomAD v4.1: 74 of 1,613,744 alleles (0.0046%); highest among the groups gnomAD compares: South Asian, 0.053%; no homozygotes.

Submissions (5):

ClinGen von Willebrand Disease Variant Curation Expert Panel, ClinGen
Classification: Uncertain significance for von Willebrand disease type 2N. Last evaluated: 2024-07-09. Review status: reviewed by expert panel. Criteria: ClinGen VWD 2N Rules. Collection method: curation. Allele origin: germline. Inheritance: Autosomal recessive inheritance.
Comment: The NM_000552.4(VWF):c.2435C>T (p.Pro812Leu) variant in VWF is a missense variant predicted to cause substitution of Proline by Leucine at amino acid 812. 1 case has been reported with proposed type 1/2N VWD however insufficient information was provided to meet PP4 (PMID: 17681836). The Grpmax filtering allele frequency in gnomAD v4.1 is 0.0004081 (based on 48/91064 alleles in the South Asian population), which is lower than the ClinGen VWD VCEP threshold of <0.005 (PM2_Supporting). The computational predictor REVEL gives a score of 0.668, which is above the ClinGen VWD VCEP threshold of >0.644 and predicts a damaging effect on VWF function (PP3). In summary, this variant meets the criteria to be classified as a variant of uncertain significance for autosomal recessive type 2N VWD. ACMG/AMP criteria applied as specified by the ClinGen von Willebrand disease Variant Curation Expert Panel: PM2_Supporting, PP3.

Mayo Clinic Laboratories, Mayo Clinic
Classification: Uncertain significance. Last evaluated: 2025-10-11. Review status: criteria provided, single submitter. Criteria: ACMG Guidelines, 2015. Collection method: clinical testing. Allele origin: germline. Observed: 1 variant allele. Not counted in ClinVar's aggregate classification.
Comment: PP3

Women's Health and Genetics/Laboratory Corporation of America, LabCorp
Classification: Uncertain significance. Last evaluated: 2022-03-16. Review status: criteria provided, single submitter. Criteria: LabCorp Variant Classification Summary - May 2015. Collection method: clinical testing. Allele origin: germline. Not counted in ClinVar's aggregate classification.
Comment: Variant summary: VWF c.2435C>T (p.Pro812Leu) results in a non-conservative amino acid change in the encoded protein sequence. Three of five in-silico tools predict a damaging effect of the variant on protein function. The variant allele was found at a frequency of 0.00011 in 252002 control chromosomes (gnomAD, Pagliari_2021). c.2435C>T has been reported in the literature in individuals affected with Von Willebrand Disease (Melo-Nava_2007) and with coagulation disorders (Downes_2019). These reports do not provide unequivocal conclusions about association of the variant with Von Willebrand Disease. Analysis of the protein crystal structure suggests that the variant may perturb a putative a3 binding region, however this has not been confirmed experimentally (Shiltagh_2014). One ClinVar submitter has assessed the variant since 2014: the variant was classified as of uncertain significance. Based on the evidence outlined above, the variant was classified as VUS.

NIHR Bioresource Rare Diseases, University of Cambridge
Classification: Uncertain significance for Abnormal bleeding. Last evaluated: 2019-02-01. Review status: criteria provided, single submitter. Criteria: ACMG Guidelines, 2015. Collection method: research. Allele origin: unknown. Affected: yes. Observed: 1 heterozygote. Study: ThromboGenomics. Not counted in ClinVar's aggregate classification.

Academic Unit of Haematology, University of Sheffield
No classification provided. Review status: no classification provided. Collection method: not provided. Allele origin: not provided. Not counted in ClinVar's aggregate classification.

Literature cited by the submitters: PubMed 17681836 (cited by Mayo Clinic Laboratories, Mayo Clinic and Women's Health and Genetics/Laboratory Corporation of America, LabCorp); PubMed 31064749 (cited by Women's Health and Genetics/Laboratory Corporation of America, LabCorp and NIHR Bioresource Rare Diseases, University of Cambridge); PubMed 34662354 (cited by Women's Health and Genetics/Laboratory Corporation of America, LabCorp); PubMed 24700780 (cited by Women's Health and Genetics/Laboratory Corporation of America, LabCorp).

NM_000552.5(VWF):c.2435C>T (p.Pro812Leu)

Gene: VWF (von Willebrand factor; minus strand). Cytogenetic location: 12p13.31.
Variant type: single nucleotide variant.
Coding change: c.2435C>T on transcript NM_000552.5 (MANE Select); coding-DNA position 2435, C replaced by T.
Protein change: p.Pro812Leu; replaces proline 812 with leucine.
Molecular consequence: missense variant.
Genome position (GRCh38, 1-based): chr12:6,044,298, G>A on the plus strand (C>T on the coding strand, the complement: VWF is on the minus strand). VCF-style: chr12-6044298-G-A. GRCh37 (hg19) VCF-style: chr12-6153464-G-A.
Other names: NM_000552.4(VWF):c.2435C>T; p.Pro812Leu; short protein forms P812L.
Identifiers: ClinVar variation 100220 (VCV000100220.7), dbSNP rs62643631, ClinGen allele CA228340.